The following is an entry in ClinVar:

ClinVar aggregate classification (germline): Likely pathogenic. Review status: criteria provided, multiple submitters, no conflicts (2 of 4 stars). 2 submissions from 2 submitters: Likely pathogenic (2). Last evaluated 2026-05-01.

Conditions:
Microcephaly 2, primary, autosomal recessive, with or without cortical malformations. Also called: MICROCEPHALY 2, PRIMARY, AUTOSOMAL RECESSIVE, WITH CORTICAL MALFORMATIONS; WDR62 Primary Microcephaly. Identifiers: Orphanet 2512, MedGen C1858535, MONDO:0011435, OMIM 604317.

Allele frequency attached by ClinVar (database versions not stated): gnomAD exomes 0.00001; TOPMed 0.00001.
gnomAD v4.1: 4 of 1,613,688 alleles (0.00025%); highest among the groups gnomAD compares: Non-Finnish European, 0.00034%; no homozygotes.

Submissions (2):

CeGaT Center for Human Genetics Tuebingen
Classification: Likely pathogenic. Last evaluated: 2026-05-01. Review status: criteria provided, single submitter. Criteria: CeGaT Center For Human Genetics Tuebingen Variant Classification Criteria Version 2. Collection method: clinical testing. Allele origin: germline. Affected: yes. Observed: 7 variant alleles.
Comment: WDR62: PM2, PM3, PVS1:Moderate

Child Neurology Department, Hôpital Universitaire de Bruxelles
Classification: Likely pathogenic for Microcephaly 2, primary, autosomal recessive, with or without cortical malformations. Last evaluated: 2020-01-01. Review status: criteria provided, single submitter. Criteria: ACMG Guidelines, 2015. Collection method: clinical testing. Allele origin: inherited. Affected: yes.

NM_001083961.2(WDR62):c.4345C>T (p.Gln1449Ter)

Gene: WDR62 (WD repeat domain 62; plus strand). Cytogenetic location: 19q13.12.
Variant type: single nucleotide variant.
Coding change: c.4345C>T on transcript NM_001083961.2 (MANE Select); coding-DNA position 4345, C replaced by T.
Protein change: p.Gln1449Ter; replaces glutamine 1449 with a stop codon.
Molecular consequence: nonsense.
Genome position (GRCh38, 1-based): chr19:36,104,801, C>T. VCF-style: chr19-36104801-C-T. GRCh37 (hg19) VCF-style: chr19-36595703-C-T.
Other names: c.4330C>T, p.Gln1444Ter (NM_173636.5); short protein forms Q1449*, Q1444*.
Identifiers: ClinVar variation 916172 (VCV000916172.42), dbSNP rs1301404126, ClinGen allele CA405462093.